The following is an entry in ClinVar:

ClinVar aggregate classification (germline): Pathogenic. Review status: criteria provided, single submitter (1 of 4 stars). 2 submissions from 2 submitters: Pathogenic (1). 1 of the submissions does not count toward it. Last evaluated 2022-12-08.

Conditions:
ADNP-related disorder. Also called: ADNP-related condition.
Intellectual disability. Also called: intellectual disabilities; Intellectual developmental disorder; Intellectual functioning disability. Identifiers: MedGen C3714756, MeSH D008607, MONDO:0001071, HP:0001249.

Submissions (2):

PreventionGenetics, part of Exact Sciences
Classification: Pathogenic for ADNP-related condition. Last evaluated: 2022-12-08. Review status: criteria provided, single submitter. Criteria: ACMG Guidelines, 2015. Collection method: clinical testing. Allele origin: germline.
Comment: The ADNP c.1239_1240delTC variant is predicted to result in a frameshift and premature protein termination (p.Gln414Valfs*25). To our knowledge, this variant has not been reported in the literature or in a large population database, indicating this variant is rare. Frameshift variants in ADNP are expected to be pathogenic. This variant is interpreted as pathogenic.

Diagnostic Laboratory, Strasbourg University Hospital
Classification: Pathogenic for Intellectual disability. Last evaluated: 2016-12-01. Review status: no assertion criteria provided. Collection method: clinical testing. Allele origin: de novo. Affected: yes. Observed: 2 heterozygotes. Clinical features observed: dysmorphism, moderate intellectual disability, abnormal MRI, autistic disturbances, exophtalmia, pectus excavatum, abnormal fat distribution, left gibbosity, cyst in the brain's white matter, aggression, opposition, nocturnal enuresis, and 11 more. Not counted in ClinVar's aggregate classification.

NM_001282531.3(ADNP):c.1239_1240del (p.Gln414fs)

Gene: ADNP (activity dependent neuroprotector homeobox; minus strand). Cytogenetic location: 20q13.13.
Variant type: Microsatellite.
Coding change: c.1239_1240del on transcript NM_001282531.3 (MANE Select); coding-DNA positions 1239 to 1240, 2 bases deleted (TC; older notation c.1239_1240delTC).
Protein change: p.Gln414fs; shifts the reading frame from glutamine 414.
Molecular consequence: frameshift variant.
Genome position (GRCh38, 1-based): chr20:50,893,474-50,893,475, GA deleted on the plus strand (TC on the coding strand, the reverse complement: ADNP is on the minus strand); deleting any 2 consecutive bases within chr20:50,893,474-50,893,480 gives the same sequence; the c. name uses the placement nearest the transcript's 3' end. VCF-style (leftmost placement, unchanged base first): chr20-50893473-TGA-T. GRCh37 (hg19) VCF-style: chr20-49510010-TGA-T.
Other names: c.1239_1240del, p.Gln414fs (NM_001282532.2, NM_001347511.2, NM_015339.5 and 1 more transcripts); c.1239_1240delTC (NM_001282531.2); short protein forms Q414fs.
Identifiers: ClinVar variation 973124 (VCV000973124.3), dbSNP rs1981021559, ClinGen allele CA2368738762.